The following is an entry in ClinVar:

ClinVar aggregate classification (germline): Conflicting classifications of pathogenicity. Review status: criteria provided, conflicting classifications (1 of 4 stars). 4 submissions from 4 submitters: Likely pathogenic (2); Uncertain significance (1); Likely benign (1). Last evaluated 2025-08-21.

Conditions:
Hereditary cancer-predisposing syndrome. Also called: Hereditary Cancer Syndrome; Tumor predisposition; Hereditary neoplastic syndrome; Neoplastic Syndromes, Hereditary. Identifiers: Orphanet 140162, MedGen C0027672, MeSH D009386, MONDO:0015356.
Hereditary nonpolyposis colorectal neoplasms. Identifiers: MedGen C0009405, MeSH D003123.

Allele frequency attached by ClinVar (database versions not stated): TOPMed below 0.00001.

Submissions (4):

Ambry Genetics
Classification: Likely pathogenic for Hereditary cancer-predisposing syndrome. Last evaluated: 2025-08-21. Review status: criteria provided, single submitter. Criteria: Ambry Variant Classification Scheme 2023. Collection method: clinical testing. Allele origin: germline.
Comment: The c.1144+5G>C intronic variant results from a G to C substitution 5 nucleotides after coding exon 10 in the PMS2 gene. This nucleotide position is well conserved in available vertebrate species. In silico splice site analysis predicts that this alteration will not have any significant effect on splicing; however, RNA studies have demonstrated that this alteration results in abnormal splicing in the set of samples tested (Ambry internal data). Based on the majority of available evidence to date, this variant is likely to be pathogenic.

Labcorp Genetics (formerly Invitae), Labcorp
Classification: Likely pathogenic for Hereditary nonpolyposis colorectal neoplasms. Last evaluated: 2024-02-11. Review status: criteria provided, single submitter. Criteria: Invitae Variant Classification Sherloc (09022015). Collection method: clinical testing. Allele origin: germline.
Comment: This sequence change falls in intron 10 of the PMS2 gene. It does not directly change the encoded amino acid sequence of the PMS2 protein. RNA analysis indicates that this variant induces altered splicing and likely results in a shortened protein product. This variant is not present in population databases (gnomAD no frequency). This variant has not been reported in the literature in individuals affected with PMS2-related conditions. ClinVar contains an entry for this variant (Variation ID: 1251526). Variants that disrupt the consensus splice site are a relatively common cause of aberrant splicing (PMID: 17576681, 9536098). Studies have shown that this variant results in skipping of exon 10, but is expected to preserve the integrity of the reading-frame (Invitae). Other variant(s) that result in the loss of exon 10 have been determined to be pathogenic (PMID: 16472587, 18602922, 22577899, 23837913, 26318770). This suggests that this variant may also be clinically significant and likely to be disease-causing. In summary, the currently available evidence indicates that the variant is pathogenic, but additional data are needed to prove that conclusively. Therefore, this variant has been classified as Likely Pathogenic.

Quest Diagnostics Nichols Institute San Juan Capistrano
Classification: Uncertain significance. Last evaluated: 2022-12-08. Review status: criteria provided, single submitter. Criteria: Quest Diagnostics criteria. Collection method: clinical testing. Allele origin: unknown.
Comment: To the best of our knowledge, the variant has not been reported in the published literature. It also has not been reported in large, multi-ethnic general populations. Analysis of this variant using software algorithms for the prediction of the effect of nucleotide changes on splicing yielded predictions that this variant may affect proper PMS2 mRNA splicing . Based on the available information, we are unable to determine the clinical significance of this variant.

GeneDx
Classification: Likely benign. Last evaluated: 2019-02-15. Review status: criteria provided, single submitter. Criteria: GeneDx Variant Classification Process June 2021. Collection method: clinical testing. Allele origin: germline. Affected: yes.

Literature cited by the submitters: PubMed 17576681 (cited by Labcorp Genetics (formerly Invitae), Labcorp); PubMed 9536098 (cited by Labcorp Genetics (formerly Invitae), Labcorp); PubMed 16472587 (cited by Labcorp Genetics (formerly Invitae), Labcorp); PubMed 18602922 (cited by Labcorp Genetics (formerly Invitae), Labcorp); PubMed 22577899 (cited by Labcorp Genetics (formerly Invitae), Labcorp); PubMed 23837913 (cited by Labcorp Genetics (formerly Invitae), Labcorp); PubMed 26318770 (cited by Labcorp Genetics (formerly Invitae), Labcorp).

NM_000535.7(PMS2):c.1144+5G>C

Gene: PMS2 (PMS1 homolog 2, mismatch repair system component; minus strand). Cytogenetic location: 7p22.1.
Variant type: single nucleotide variant.
Coding change: c.1144+5G>C on transcript NM_000535.7 (MANE Select); 5 bases into the intron after coding-DNA position 1144, G replaced by C.
Molecular consequence: intron variant.
Genome position (GRCh38, 1-based): chr7:5,989,795, C>G on the plus strand (G>C on the coding strand, the complement: PMS2 is on the minus strand). VCF-style: chr7-5989795-C-G. GRCh37 (hg19) VCF-style: chr7-6029426-C-G.
Other names: c.1144+5G>C (NM_000535.6, NM_000535.5, NM_001322014.2); c.826+5G>C (NM_001322008.2, NM_001322007.2); c.584-2175G>C (NM_001322010.2); c.739+5G>C (NM_001322004.2, NM_001322003.2, NM_001322009.2 and 1 more transcripts); c.571+5G>C (NM_001322013.2); c.211+5G>C (NM_001322012.2, NM_001322011.2); c.835+5G>C (NM_001322015.2); c.989-2175G>C (NM_001322006.2).
Identifiers: ClinVar variation 1251526 (VCV001251526.11), dbSNP rs1783506726, ClinGen allele CA1685235832.